The following is an entry in ClinVar:

NM_001042475.3(CEP85L):c.2186T>C (p.Leu729Ser)

Gene: CEP85L (centrosomal protein 85L; minus strand). Cytogenetic location: 6q22.31.
Variant type: single nucleotide variant.
Coding change: c.2186T>C on transcript NM_001042475.3 (MANE Select); coding-DNA position 2186, T replaced by C.
Protein change: p.Leu729Ser; replaces leucine 729 with serine.
Molecular consequence: missense variant.
Genome position (GRCh38, 1-based): chr6:118,469,140, A>G on the plus strand (T>C on the coding strand, the complement: CEP85L is on the minus strand). VCF-style: chr6-118469140-A-G. GRCh37 (hg19) VCF-style: chr6-118790303-A-G.
Other names: c.2195T>C, p.Leu732Ser (NM_001178035.2); short protein forms L729S, L732S.
Identifiers: ClinVar variation 4084197 (VCV004084197.8).

ClinVar aggregate classification (germline): Likely benign (1 of 4 stars; one submission).

gnomAD v4.1: 92 of 1,613,960 alleles (0.0057%); highest among the groups gnomAD compares: Non-Finnish European, 0.0036%; no homozygotes.

Submission:

CeGaT Center for Human Genetics Tuebingen
Classification: Likely benign. Last evaluated: 2025-08-01. Review status: criteria provided, single submitter. Criteria: CeGaT Center For Human Genetics Tuebingen Variant Classification Criteria Version 2. Collection method: clinical testing. Allele origin: germline. Affected: yes. Observed: 1 variant allele.
Comment: CEP85L: BS2